The following is an entry in ClinVar:

ClinVar aggregate classification (germline): Pathogenic/Likely pathogenic. Review status: criteria provided, multiple submitters, no conflicts (2 of 4 stars). 5 submissions from 5 submitters: Pathogenic (2); Likely pathogenic (1). 2 of the submissions do not count toward it. Last evaluated 2025-04-10.

Conditions:
Hereditary fructosuria. Also called: ALDOB DEFICIENCY; ALDOLASE B DEFICIENCY; FRUCTOSE-1,6-BISPHOSPHATE ALDOLASE B DEFICIENCY; FRUCTOSE-1-PHOSPHATE ALDOLASE DEFICIENCY; FRUCTOSEMIA; Fructose intolerance. Identifiers: Orphanet 469, MedGen C0016751, MONDO:0009249, OMIM 229600, HP:0005973. Disease mechanism: loss of function.

Submissions (5):

Natera, Inc.
Classification: Pathogenic for Fructose intolerance. Last evaluated: 2025-04-10. Review status: criteria provided, single submitter. Criteria: Natera Variant Classification Schema (03/2026). Collection method: clinical testing. Allele origin: germline.
Comment: The c.625-2A>G variant in ALDOB is a canonical splice acceptor site variant predicted to affect pre-mRNA splicing, which may result in an abnormal transcript and altered protein product. This variant is expected to result in nonsense mediated decay, truncation, or a dysfunctional protein product. This variant is rare in the general population with a frequency below the threshold expected for the associated phenotype(s). This variant has been observed in one or more individuals affected with the associated recessive disease, as either homozygous or compound heterozygous with a second variant (PMID: 15532022). Given the available evidence, this variant is classified as Pathogenic.

Baylor Genetics
Classification: Pathogenic for Hereditary fructosuria. Last evaluated: 2023-10-11. Review status: criteria provided, single submitter. Criteria: ACMG Guidelines, 2015. Collection method: clinical testing. Allele origin: unknown.

Women's Health and Genetics/Laboratory Corporation of America, LabCorp
Classification: Likely pathogenic for Hereditary fructosuria. Last evaluated: 2018-08-16. Review status: criteria provided, single submitter. Criteria: LabCorp Variant Classification Summary - May 2015. Collection method: clinical testing. Allele origin: germline.
Comment: Variant summary: ALDOB c.625-2A>G is located in a canonical splice-site and is predicted to affect mRNA splicing resulting in a significantly altered protein due to either exon skipping, shortening, or inclusion of intronic material. Several computational tools predict a significant impact on normal splicing: Five predict the variant abolishes a 3 acceptor site. However, these predictions have yet to be confirmed by functional studies. The variant was absent in 246040 control chromosomes (gnomAD). The variant, c.625-2A>G, has been reported in the literature in individuals affected with Hereditary Fructose Intolerance (Esposito_2004, Ferri_2012). These data indicate that the variant may be associated with disease. To our knowledge, no experimental evidence demonstrating an impact on protein function has been reported. No clinical diagnostic laboratories have submitted clinical-significance assessments for this variant to ClinVar after 2014. Based on the evidence outlined above, the variant was classified as likely pathogenic.

ATS em Genética Clínica, Universidade Federal do Rio Grande do Sul
Classification: Likely pathogenic for Hereditary fructosuria. Last evaluated: 2021-03-18. Review status: no assertion criteria provided. Collection method: literature only. Allele origin: unknown. Affected: yes. Not counted in ClinVar's aggregate classification.

Counsyl
Classification: Likely pathogenic for Hereditary fructosuria. Last evaluated: 2014-06-19. Review status: no assertion criteria provided. Collection method: literature only. Allele origin: unknown. Inheritance: Autosomal recessive inheritance. Not counted in ClinVar's aggregate classification.

Literature cited by the submitters: PubMed 15532022 (cited by 4 submitters); PubMed 20848650 (cited by Women's Health and Genetics/Laboratory Corporation of America, LabCorp and Counsyl); PubMed 23430936 (cited by Women's Health and Genetics/Laboratory Corporation of America, LabCorp).

NM_000035.4(ALDOB):c.625-2A>G

Gene: ALDOB (aldolase, fructose-bisphosphate B; minus strand). Cytogenetic location: 9q31.1.
Variant type: single nucleotide variant.
Coding change: c.625-2A>G on transcript NM_000035.4 (MANE Select); the canonical splice acceptor site of the intron before coding-DNA position 625, A replaced by G.
Molecular consequence: splice acceptor variant.
Genome position (GRCh38, 1-based): chr9:101,425,629, T>C on the plus strand (A>G on the coding strand, the complement: ALDOB is on the minus strand). VCF-style: chr9-101425629-T-C. GRCh37 (hg19) VCF-style: chr9-104187911-T-C.
Identifiers: ClinVar variation 188837 (VCV000188837.7), dbSNP rs786204503, ClinGen allele CA199078.